The following is an entry in ClinVar:

NM_144997.7(FLCN):c.326_338del (p.His109fs)

Gene: FLCN (folliculin; minus strand). Cytogenetic location: 17p11.2.
Variant type: Deletion.
Coding change: c.326_338del on transcript NM_144997.7 (MANE Select); coding-DNA positions 326 to 338, 13 bases deleted (ACCAGCACCCCAG).
Protein change: p.His109fs; shifts the reading frame from histidine 109.
Molecular consequence: frameshift variant.
Genome position (GRCh38, 1-based): chr17:17,226,234-17,226,246, CTGGGGTGCTGGT deleted on the plus strand (ACCAGCACCCCAG on the coding strand, the reverse complement: FLCN is on the minus strand). VCF-style (leftmost placement, unchanged base first): chr17-17226233-GCTGGGGTGCTGGT-G. GRCh37 (hg19) VCF-style: chr17-17129547-GCTGGGGTGCTGGT-G.
Other names: c.326_338del, p.His109fs (NM_001353229.2, NM_001353230.2, NM_001353231.2 and 1 more transcripts); c.326_338del13 (NM_144997.5); short protein forms H109fs.
Identifiers: ClinVar variation 3572323 (VCV003572323.4).

ClinVar aggregate classification (germline): Pathogenic. Review status: criteria provided, multiple submitters, no conflicts (2 of 4 stars). 3 submissions from 3 submitters: Pathogenic (3). Last evaluated 2025-03-24.

Conditions:
Hereditary cancer-predisposing syndrome. Also called: Hereditary Cancer Syndrome; Hereditary neoplastic syndrome; Neoplastic Syndromes, Hereditary; Tumor predisposition. Identifiers: Orphanet 140162, MedGen C0027672, MeSH D009386, MONDO:0015356.
Birt-Hogg-Dube syndrome. Also called: Birt Hogg Dubé syndrome. Identifiers: Orphanet 122, MedGen C0346010, MONDO:0800444.

Submissions (3):

Ambry Genetics
Classification: Pathogenic for Hereditary cancer-predisposing syndrome. Last evaluated: 2025-03-24. Review status: criteria provided, single submitter. Criteria: Ambry Variant Classification Scheme 2023. Collection method: clinical testing. Allele origin: germline.
Comment: The c.326_338del13 pathogenic mutation, located in coding exon 2 of the FLCN gene, results from a deletion of 13 nucleotides at nucleotide positions 326 to 338, causing a translational frameshift with a predicted alternate stop codon (p.H109Pfs*17). This variant is considered to be rare based on population cohorts in the Genome Aggregation Database (gnomAD). In addition this alteration is expected to result in loss of function by premature protein truncation or nonsense-mediated mRNA decay. As such, this alteration is interpreted as a disease-causing mutation.

Labcorp Genetics (formerly Invitae), Labcorp
Classification: Pathogenic for Birt-Hogg-Dube syndrome. Last evaluated: 2024-08-27. Review status: criteria provided, single submitter. Criteria: Invitae Variant Classification Sherloc (09022015). Collection method: clinical testing. Allele origin: germline.
Comment: This sequence change creates a premature translational stop signal (p.His109Profs*17) in the FLCN gene. It is expected to result in an absent or disrupted protein product. Loss-of-function variants in FLCN are known to be pathogenic (PMID: 15852235). This variant is not present in population databases (gnomAD no frequency). This variant has not been reported in the literature in individuals affected with FLCN-related conditions. For these reasons, this variant has been classified as Pathogenic.

Quest Diagnostics Nichols Institute San Juan Capistrano
Classification: Pathogenic. Last evaluated: 2024-06-17. Review status: criteria provided, single submitter. Criteria: Quest Diagnostics criteria. Collection method: clinical testing. Allele origin: unknown.
Comment: The FLCN c.326_338del (p.His109Profs*17) variant alters the translational reading frame of the FLCN mRNA and causes the premature termination of FLCN protein synthesis. This variant has not been reported in individuals with FLCN-related conditions in the published literature. This variant has not been reported in large, multi-ethnic general populations (Genome Aggregation Database). Based on the available information, this variant is classified as pathogenic.

Literature cited by the submitters: PubMed 15852235 (cited by Labcorp Genetics (formerly Invitae), Labcorp).